The following is an entry in ClinVar:

NM_000038.6(APC):c.223C>G (p.Leu75Val)

Gene: APC (APC regulator of Wnt signaling pathway; plus strand). Cytogenetic location: 5q22.2.
Variant type: single nucleotide variant.
Coding change: c.223C>G on transcript NM_000038.6 (MANE Select); coding-DNA position 223, C replaced by G.
Protein change: p.Leu75Val; replaces leucine 75 with valine.
Molecular consequence: missense variant. On other transcripts: 5 prime UTR variant (1).
Genome position (GRCh38, 1-based): chr5:112,767,191, C>G. VCF-style: chr5-112767191-C-G. GRCh37 (hg19) VCF-style: chr5-112102888-C-G.
Other names: c.223C>G, p.Leu75Val (NM_001127510.3, NM_001354895.2, NM_001354896.2 and 2 more transcripts); c.253C>G, p.Leu85Val (NM_001127511.3, NM_001354897.2, NM_001354902.2); c.148C>G, p.Leu50Val (NM_001354898.2, NM_001354904.2); c.46C>G, p.Leu16Val (NM_001354900.2, NM_001354901.2, NM_001354905.2); c.-813C>G (NM_001354906.2); short protein forms L75V, L85V, L16V, L50V.
Identifiers: ClinVar variation 644217 (VCV000644217.14), dbSNP rs760790156, ClinGen allele CA031461.
Genomic context (GRCh38, chr5:112,767,191, plus strand): 5'-AATATTTTAGACTGCTTAAAGCAATTGTTGTATAAAAACTTGTTTCTATTTTATTTAGAG[C>G]TTAACTTAGATAGCAGTAATTTCCCTGGAGTAAAACTGCGGTCAAAAATGTCCCTCCGTT-3'
Protein context (NP_000029.2, residues 65-85): QIDLLERLKE[Leu75Val]NLDSSNFPGV

ClinVar aggregate classification (germline): Uncertain significance. Review status: criteria provided, multiple submitters, no conflicts (2 of 4 stars). 3 submissions from 3 submitters: Uncertain significance (3). Last evaluated 2026-01-28.

Conditions:
Hereditary cancer-predisposing syndrome. Also called: Neoplastic Syndromes, Hereditary; Tumor predisposition; Hereditary neoplastic syndrome; Hereditary Cancer Syndrome. Identifiers: Orphanet 140162, MedGen C0027672, MeSH D009386, MONDO:0015356.
Familial adenomatous polyposis 1 (FAP1). Also called: FAMILIAL ADENOMATOUS POLYPOSIS 1, ATTENUATED; POLYPOSIS, ADENOMATOUS INTESTINAL. Identifiers: MedGen C2713442, MONDO:0021056, OMIM 175100. Disease mechanism: loss of function.

Allele frequency attached by ClinVar (database versions not stated): ExAC 0.00001.
gnomAD v4.1: 1 of 1,612,606 alleles (0.000062%); highest among the groups gnomAD compares: Admixed American, 0.0017%; no homozygotes.

Submissions (3):

Labcorp Genetics (formerly Invitae), Labcorp
Classification: Uncertain significance for Familial adenomatous polyposis 1. Last evaluated: 2026-01-28. Review status: criteria provided, single submitter. Criteria: Invitae Variant Classification Sherloc (09022015). Collection method: clinical testing. Allele origin: germline.
Comment: This sequence change replaces leucine, which is neutral and non-polar, with valine, which is neutral and non-polar, at codon 75 of the APC protein (p.Leu75Val). This variant is not present in population databases (gnomAD no frequency). This variant has not been reported in the literature in individuals affected with APC-related conditions. ClinVar contains an entry for this variant (Variation ID: 644217). An algorithm developed to predict the effect of missense changes on protein structure and function (PolyPhen-2) suggests that this variant is likely to be tolerated. In summary, the available evidence is currently insufficient to determine the role of this variant in disease. Therefore, it has been classified as a Variant of Uncertain Significance.

Ambry Genetics
Classification: Uncertain significance for Hereditary cancer-predisposing syndrome. Last evaluated: 2025-02-06. Review status: criteria provided, single submitter. Criteria: Ambry Variant Classification Scheme 2023. Collection method: clinical testing. Allele origin: germline.
Comment: The p.L75V variant (also known as c.223C>G), located in coding exon 3 of the APC gene, results from a C to G substitution at nucleotide position 223. The leucine at codon 75 is replaced by valine, an amino acid with highly similar properties. Missense alterations in APC are not a common cause of disease (Spier I et al. Genet Med. 2024 Feb;26(2):100992). This amino acid position is highly conserved in available vertebrate species. In addition, in silico predictors for this gene do not accurately predict pathogenicity. Based on the available evidence, the clinical significance of this variant remains unclear.

Color Diagnostics, LLC DBA Color Health
Classification: Uncertain significance for Hereditary cancer-predisposing syndrome. Last evaluated: 2024-09-09. Review status: criteria provided, single submitter. Criteria: ACMG Guidelines, 2015. Collection method: clinical testing. Allele origin: germline.
Comment: This missense variant replaces leucine with valine at codon 75 of the APC protein. Computational prediction suggests that this variant may not impact protein structure and function (internally defined REVEL score threshold <= 0.5, PMID: 27666373). To our knowledge, functional studies have not been reported for this variant. This variant has not been reported in individuals affected with APC-related disorders in the literature. This variant has been identified in 1/251220 chromosomes in the general population by the Genome Aggregation Database (gnomAD). The available evidence is insufficient to determine the role of this variant in disease conclusively. Therefore, this variant is classified as a Variant of Uncertain Significance.